The following is an entry in ClinVar:

ClinVar aggregate classification (germline): Uncertain significance. Review status: criteria provided, multiple submitters, no conflicts (2 of 4 stars). 2 submissions from 2 submitters: Uncertain significance (2). Last evaluated 2024-07-10.

Conditions:
Inborn genetic diseases. Identifiers: MedGen C0950123, MeSH D030342.
Brachyolmia-amelogenesis imperfecta syndrome. Also called: Tooth agenesis, selective, 6; Dental anomalies and short stature; PLATYSPONDYLY WITH AMELOGENESIS IMPERFECTA. Identifiers: Orphanet 2899, MedGen C1832594, MONDO:0011018, OMIM 601216. Disease mechanism: loss of function.

Submissions (2):

Labcorp Genetics (formerly Invitae), Labcorp
Classification: Uncertain significance for Brachyolmia-amelogenesis imperfecta syndrome. Last evaluated: 2024-07-10. Review status: criteria provided, single submitter. Criteria: Invitae Variant Classification Sherloc (09022015). Collection method: clinical testing. Allele origin: germline.
Comment: This sequence change replaces alanine, which is neutral and non-polar, with valine, which is neutral and non-polar, at codon 219 of the LTBP3 protein (p.Ala219Val). This variant is not present in population databases (gnomAD no frequency). This variant has not been reported in the literature in individuals affected with LTBP3-related conditions. ClinVar contains an entry for this variant (Variation ID: 2112812). An algorithm developed to predict the effect of missense changes on protein structure and function (PolyPhen-2) suggests that this variant is likely to be disruptive. In summary, the available evidence is currently insufficient to determine the role of this variant in disease. Therefore, it has been classified as a Variant of Uncertain Significance.

Ambry Genetics
Classification: Uncertain significance for Inborn genetic diseases. Last evaluated: 2023-12-07. Review status: criteria provided, single submitter. Criteria: Ambry Variant Classification Scheme 2023. Collection method: clinical testing. Allele origin: germline.
Comment: The p.A219V variant (also known as c.656C>T), located in coding exon 2 of the LTBP3 gene, results from a C to T substitution at nucleotide position 656. The alanine at codon 219 is replaced by valine, an amino acid with similar properties. This amino acid position is conserved. In addition, this alteration is predicted to be tolerated by in silico analysis. Since supporting evidence is limited at this time, the clinical significance of this alteration remains unclear.

NM_001130144.3(LTBP3):c.656C>T (p.Ala219Val)

Gene: LTBP3 (latent transforming growth factor beta binding protein 3; minus strand). Cytogenetic location: 11q13.1.
Variant type: single nucleotide variant.
Coding change: c.656C>T on transcript NM_001130144.3 (MANE Select); coding-DNA position 656, C replaced by T.
Protein change: p.Ala219Val; replaces alanine 219 with valine.
Molecular consequence: missense variant.
Genome position (GRCh38, 1-based): chr11:65,554,056, G>A on the plus strand (C>T on the coding strand, the complement: LTBP3 is on the minus strand). VCF-style: chr11-65554056-G-A. GRCh37 (hg19) VCF-style: chr11-65321527-G-A.
Other names: c.656C>T (NM_001130144.2); c.305C>T, p.Ala102Val (NM_001164266.1); c.656C>T, p.Ala219Val (NM_021070.4); short protein forms A102V, A219V.
Identifiers: ClinVar variation 2112812 (VCV002112812.5), dbSNP rs2496177344, ClinGen allele CA381276181.